The following is an entry in ClinVar:

NM_032043.3(BRIP1):c.1156A>T (p.Lys386Ter)

Gene: BRIP1 (BRCA1 interacting DNA helicase 1; minus strand). Cytogenetic location: 17q23.2.
Variant type: single nucleotide variant.
Coding change: c.1156A>T on transcript NM_032043.3 (MANE Select); coding-DNA position 1156, A replaced by T.
Protein change: p.Lys386Ter; replaces lysine 386 with a stop codon.
Molecular consequence: nonsense.
Genome position (GRCh38, 1-based): chr17:61,799,284, T>A on the plus strand (A>T on the coding strand, the complement: BRIP1 is on the minus strand). VCF-style: chr17-61799284-T-A. GRCh37 (hg19) VCF-style: chr17-59876645-T-A.
Other names: short protein forms K386*.
Identifiers: ClinVar variation 182347 (VCV000182347.16), dbSNP rs730881635, ClinGen allele CA298875.

ClinVar aggregate classification (germline): Pathogenic/Likely pathogenic. Review status: criteria provided, multiple submitters, no conflicts (2 of 4 stars). 4 submissions from 4 submitters: Pathogenic (3); Likely pathogenic (1). Last evaluated 2023-06-07.

Conditions:
Hereditary cancer-predisposing syndrome. Also called: Tumor predisposition; Hereditary Cancer Syndrome; Hereditary neoplastic syndrome; Neoplastic Syndromes, Hereditary. Identifiers: Orphanet 140162, MedGen C0027672, MeSH D009386, MONDO:0015356.
Familial cancer of breast. Also called: BREAST CANCER, FAMILIAL; hereditary breast carcinoma; Hereditary breast cancer. Identifiers: Orphanet 227535, MedGen C0346153, MONDO:0016419, OMIM 114480. Disease mechanism: loss of function.
Fanconi anemia complementation group J. Also called: BRIP1-Related Fanconi Anemia. Identifiers: Orphanet 84, MedGen C1836860, MONDO:0012187, OMIM 609054.

Submissions (4):

Ambry Genetics
Classification: Pathogenic for Hereditary cancer-predisposing syndrome. Last evaluated: 2023-06-07. Review status: criteria provided, single submitter. Criteria: Ambry Variant Classification Scheme 2023. Collection method: clinical testing. Allele origin: germline.
Comment: The p.K386* pathogenic mutation (also known as c.1156A>T), located in coding exon 8 of the BRIP1 gene, results from an A to T substitution at nucleotide position 1156. This changes the amino acid from a lysine to a stop codon within coding exon 8. This alteration was identified in 1/10030 consecutive patients referred for evaluation by an NGS hereditary cancer panel (Susswein LR et al. Genet. Med., 2016 08;18:823-32). In addition to the clinical data presented in the literature, this alteration is expected to result in loss of function by premature protein truncation or nonsense-mediated mRNA decay. As such, this alteration is interpreted as a disease-causing mutation.

Myriad Genetics, Inc.
Classification: Pathogenic for Familial cancer of breast. Last evaluated: 2023-06-01. Review status: criteria provided, single submitter. Criteria: Myriad Autosomal Dominant, Autosomal Recessive and X-Linked Classification Criteria (2023). Collection method: clinical testing. Allele origin: unknown.
Comment: This variant is considered pathogenic. This variant creates a termination codon and is predicted to result in premature protein truncation.

Labcorp Genetics (formerly Invitae), Labcorp
Classification: Pathogenic for Familial cancer of breast; Fanconi anemia complementation group J. Last evaluated: 2022-10-13. Review status: criteria provided, single submitter. Criteria: Invitae Variant Classification Sherloc (09022015). Collection method: clinical testing. Allele origin: germline.
Comment: This sequence change creates a premature translational stop signal (p.Lys386*) in the BRIP1 gene. It is expected to result in an absent or disrupted protein product. Loss-of-function variants in BRIP1 are known to be pathogenic (PMID: 16116423, 17033622, 21964575). This variant is not present in population databases (gnomAD no frequency). This premature translational stop signal has been observed in individual(s) with breast cancer (PMID: 26681312). ClinVar contains an entry for this variant (Variation ID: 182347). RNA analysis performed to evaluate the impact of this premature translational stop signal on mRNA splicing indicates it does not significantly alter splicing (Invitae). For these reasons, this variant has been classified as Pathogenic.

GeneDx
Classification: Likely pathogenic. Last evaluated: 2017-07-21. Review status: criteria provided, single submitter. Criteria: GeneDx Variant Classification (06012015). Collection method: clinical testing. Allele origin: germline. Affected: yes.
Comment: This variant is denoted BRIP1 c.1156A>T at the cDNA level and p.Lys386Ter (K386X) at the protein level. The substitution creates a nonsense variant, which changes a Lysine to a premature stop codon (AAA>TAA), and is predicted to cause loss of normal protein function through either protein truncation or nonsense-mediated mRNA decay. This variant has been reported in several patients with breast cancer undergoing multigene panel testing (Susswein 2016, Frey 2017) and is considered likely pathogenic.

Literature cited by the submitters: PubMed 26681312 (cited by Ambry Genetics and Labcorp Genetics (formerly Invitae), Labcorp); PubMed 16116423 (cited by Labcorp Genetics (formerly Invitae), Labcorp); PubMed 17033622 (cited by Labcorp Genetics (formerly Invitae), Labcorp); PubMed 21964575 (cited by Labcorp Genetics (formerly Invitae), Labcorp).